The following is an entry in ClinVar:

NM_006205.3(PDE6H):c.116C>G (p.Pro39Arg)

Gene: PDE6H (phosphodiesterase 6H; plus strand). Cytogenetic location: 12p12.3.
Variant type: single nucleotide variant.
Coding change: c.116C>G on transcript NM_006205.3 (MANE Select); coding-DNA position 116, C replaced by G.
Protein change: p.Pro39Arg; replaces proline 39 with arginine.
Molecular consequence: missense variant.
Genome position (GRCh38, 1-based): chr12:14,978,128, C>G. VCF-style: chr12-14978128-C-G. GRCh37 (hg19) VCF-style: chr12-15131062-C-G.
Other names: short protein forms P39R.
Identifiers: ClinVar variation 2109994 (VCV002109994.4), dbSNP rs2497602664, ClinGen allele CA384024119.
Genomic context (GRCh38, chr12:14,978,128, plus strand): 5'-CACGCAAAGGCCCTCCCAAGTTCAAGCAGAGGCAGACTCGCCAATTCAAGAGTAAACCTC[C>G]AAAGAAAGGTGTGAAAGGGTAAGACCAAAATGAAAAGAAAAACTTTCTATTACTTTCTTT-3'
Protein context (NP_006196.1, residues 29-49): RQTRQFKSKP[Pro39Arg]KKGVKGFGDD

ClinVar aggregate classification (germline): Uncertain significance (1 of 4 stars; one submission).

Submission:

Labcorp Genetics (formerly Invitae), Labcorp
Classification: Uncertain significance. Last evaluated: 2022-03-20. Review status: criteria provided, single submitter. Criteria: Invitae Variant Classification Sherloc (09022015). Collection method: clinical testing. Allele origin: germline.
Comment: This variant has not been reported in the literature in individuals affected with PDE6H-related conditions. In summary, the available evidence is currently insufficient to determine the role of this variant in disease. Therefore, it has been classified as a Variant of Uncertain Significance. Algorithms developed to predict the effect of missense changes on protein structure and function (SIFT, PolyPhen-2, Align-GVGD) all suggest that this variant is likely to be disruptive. This variant is not present in population databases (gnomAD no frequency). This sequence change replaces proline, which is neutral and non-polar, with arginine, which is basic and polar, at codon 39 of the PDE6H protein (p.Pro39Arg).